The following is an entry in ClinVar:

NM_001369.3(DNAH5):c.10825C>T (p.Gln3609Ter)

Gene: DNAH5 (dynein axonemal heavy chain 5; minus strand). Cytogenetic location: 5p15.2.
Variant type: single nucleotide variant.
Coding change: c.10825C>T on transcript NM_001369.3 (MANE Select); coding-DNA position 10825, C replaced by T.
Protein change: p.Gln3609Ter; replaces glutamine 3609 with a stop codon.
Molecular consequence: nonsense.
Genome position (GRCh38, 1-based): chr5:13,753,280, G>A on the plus strand (C>T on the coding strand, the complement: DNAH5 is on the minus strand). VCF-style: chr5-13753280-G-A. GRCh37 (hg19) VCF-style: chr5-13753389-G-A.
Other names: c.10825C>T (NM_001369.2); short protein forms Q3609*.
Identifiers: ClinVar variation 1072564 (VCV001072564.10), dbSNP rs749980719, ClinGen allele CA3202132.
Genomic context (GRCh38, chr5:13,753,280, plus strand): 5'-AAACACAAATTACCTGGAGTTCATTTCGGCTTTCTTTATTTTTAATCCAGATCTTGCCTT[G>A]AGTCTGTGGATCAATTAACAAAGGGTAACGAGATGCCTTCGTGACAATAATTCCATTTTG-3'

ClinVar aggregate classification (germline): Pathogenic/Likely pathogenic. Review status: criteria provided, multiple submitters, no conflicts (2 of 4 stars). 3 submissions from 3 submitters: Pathogenic (2); Likely pathogenic (1). Last evaluated 2025-09-10.

Conditions:
Primary ciliary dyskinesia 3. Identifiers: Orphanet 244, MedGen C1837618, MONDO:0012085, OMIM 608644.
Primary ciliary dyskinesia. Also called: Ciliary dyskinesia. Identifiers: Orphanet 244, MedGen C0008780, MONDO:0016575, HP:0012265.

Allele frequency attached by ClinVar (database versions not stated): ExAC 0.00001; gnomAD exomes 0.00001.
gnomAD v4.1: 9 of 1,613,928 alleles (0.00056%); highest among the groups gnomAD compares: Non-Finnish European, 0.00076%; no homozygotes.

Submissions (3):

Natera, Inc.
Classification: Pathogenic for Primary ciliary dyskinesia. Last evaluated: 2025-09-10. Review status: criteria provided, single submitter. Criteria: Natera Variant Classification Schema (03/2026). Collection method: clinical testing. Allele origin: germline.
Comment: The c.10825C>T variant in DNAH5 is a nonsense variant predicted to introduce a stop codon at amino acid 3609. This variant is expected to result in nonsense mediated decay, truncation, or a dysfunctional protein product. This variant is rare in the general population with a frequency below the threshold expected for the associated phenotype(s). This variant has been observed in one or more individuals affected with the associated recessive disease, as either homozygous or compound heterozygous with a second variant (PMID: 40758541). Given the available evidence, this variant is classified as Pathogenic.

Fulgent Genetics
Classification: Likely pathogenic for Primary ciliary dyskinesia 3. Last evaluated: 2024-05-16. Review status: criteria provided, single submitter. Criteria: ACMG Guidelines, 2015. Collection method: clinical testing. Allele origin: germline.

Labcorp Genetics (formerly Invitae), Labcorp
Classification: Pathogenic for Primary ciliary dyskinesia. Last evaluated: 2023-12-28. Review status: criteria provided, single submitter. Criteria: Invitae Variant Classification Sherloc (09022015). Collection method: clinical testing. Allele origin: germline.
Comment: This sequence change creates a premature translational stop signal (p.Gln3609*) in the DNAH5 gene. It is expected to result in an absent or disrupted protein product. Loss-of-function variants in DNAH5 are known to be pathogenic (PMID: 11788826, 16627867). This variant is present in population databases (rs749980719, gnomAD 0.003%). This variant has not been reported in the literature in individuals affected with DNAH5-related conditions. ClinVar contains an entry for this variant (Variation ID: 1072564). For these reasons, this variant has been classified as Pathogenic.

Literature cited by the submitters: PubMed 40758541 (cited by Natera, Inc.); PubMed 11788826 (cited by Labcorp Genetics (formerly Invitae), Labcorp); PubMed 16627867 (cited by Labcorp Genetics (formerly Invitae), Labcorp).